The following is an entry in ClinVar:

NM_198060.4(NRAP):c.466-111_482del

Gene: NRAP (nebulin related anchoring protein; minus strand). Cytogenetic location: 10q25.3.
Variant type: Deletion.
Coding change: c.466-111_482del on transcript NM_198060.4 (MANE Select); 111 bases into the intron before coding-DNA position 466 through coding-DNA position 482, 128 bases deleted.
Molecular consequence: splice acceptor variant.
Genome position (GRCh38, 1-based): chr10:113,653,023-113,653,150, 128 bases deleted. GRCh37 (hg19): chr10:115,412,783-115,412,910.
Other names: c.466-111_482del (NM_006175.5, NM_001322945.2, NM_001261463.2).
Identifiers: ClinVar variation 3895309 (VCV003895309.1), dbSNP rs1564759987.

ClinVar aggregate classification (germline): Uncertain significance (1 of 4 stars; one submission).

Conditions:
Cardiovascular phenotype. Identifiers: MedGen CN230736.

Submission:

Molecular Diagnostic Laboratory for Inherited Cardiovascular Disease, Montreal Heart Institute
Classification: Uncertain significance for Cardiovascular phenotype. Last evaluated: 2025-04-09. Review status: criteria provided, single submitter. Criteria: ACMG Guidelines, 2015. Collection method: clinical testing. Allele origin: germline. Affected: yes.
Comment: PVS1_mod